The following is an entry in ClinVar:

NM_004525.3(LRP2):c.11477C>T (p.Ala3826Val)

Gene: LRP2 (LDL receptor related protein 2; minus strand). Cytogenetic location: 2q31.1.
Variant type: single nucleotide variant.
Coding change: c.11477C>T on transcript NM_004525.3 (MANE Select); coding-DNA position 11477, C replaced by T.
Protein change: p.Ala3826Val; replaces alanine 3826 with valine.
Molecular consequence: missense variant.
Genome position (GRCh38, 1-based): chr2:169,169,722, G>A on the plus strand (C>T on the coding strand, the complement: LRP2 is on the minus strand). VCF-style: chr2-169169722-G-A. GRCh37 (hg19) VCF-style: chr2-170026232-G-A.
Other names: short protein forms A3826V.
Identifiers: ClinVar variation 1920800 (VCV001920800.3), dbSNP rs142613924, ClinGen allele CA1953067.

ClinVar aggregate classification (germline): Uncertain significance. Review status: criteria provided, multiple submitters, no conflicts (2 of 4 stars). 2 submissions from 2 submitters: Uncertain significance (2). Last evaluated 2024-05-20.

Conditions:
Donnai-Barrow syndrome. Also called: DBS/FOAR SYNDROME; FACIOOCULOACOUSTICORENAL SYNDROME. Identifiers: Orphanet 2143, MedGen C1857277, MONDO:0009104, OMIM 222448.

Allele frequency attached by ClinVar (database versions not stated): gnomAD 0.00002; gnomAD exomes 0.00002; TOPMed 0.00005; ExAC 0.00007; ESP Exome Variant Server 0.00008.
gnomAD v4.1: 39 of 1,613,900 alleles (0.0024%); highest among the groups gnomAD compares: Admixed American, 0.005%; no homozygotes.

Submissions (2):

Fulgent Genetics
Classification: Uncertain significance for Donnai-Barrow syndrome. Last evaluated: 2024-05-20. Review status: criteria provided, single submitter. Criteria: ACMG Guidelines, 2015. Collection method: clinical testing. Allele origin: germline.

Labcorp Genetics (formerly Invitae), Labcorp
Classification: Uncertain significance. Last evaluated: 2022-03-01. Review status: criteria provided, single submitter. Criteria: Invitae Variant Classification Sherloc (09022015). Collection method: clinical testing. Allele origin: germline.
Comment: This sequence change replaces alanine, which is neutral and non-polar, with valine, which is neutral and non-polar, at codon 3826 of the LRP2 protein (p.Ala3826Val). This variant is present in population databases (rs142613924, gnomAD 0.01%). This variant has not been reported in the literature in individuals affected with LRP2-related conditions. Advanced modeling of protein sequence and biophysical properties (such as structural, functional, and spatial information, amino acid conservation, physicochemical variation, residue mobility, and thermodynamic stability) performed at Invitae indicates that this missense variant is not expected to disrupt LRP2 protein function. In summary, the available evidence is currently insufficient to determine the role of this variant in disease. Therefore, it has been classified as a Variant of Uncertain Significance.